The following is an entry in ClinVar:

NM_002474.3(MYH11):c.175G>T (p.Val59Phe)

Gene: MYH11 (myosin heavy chain 11; minus strand). Cytogenetic location: 16p13.11.
Variant type: single nucleotide variant.
Coding change: c.175G>T on transcript NM_002474.3 (MANE Select); coding-DNA position 175, G replaced by T.
Protein change: p.Val59Phe; replaces valine 59 with phenylalanine.
Molecular consequence: missense variant.
Genome position (GRCh38, 1-based): chr16:15,838,078, C>A on the plus strand (G>T on the coding strand, the complement: MYH11 is on the minus strand). VCF-style: chr16-15838078-C-A. GRCh37 (hg19) VCF-style: chr16-15931935-C-A.
Other names: c.175G>T, p.Val59Phe (NM_001040113.2, NM_001040114.2, NM_022844.3); short protein forms V59F.
Identifiers: ClinVar variation 3387267 (VCV003387267.1).

ClinVar aggregate classification (germline): Uncertain significance (1 of 4 stars; one submission).

Conditions:
Familial thoracic aortic aneurysm and aortic dissection (TAAD). Also called: Thoracic aortic aneurysms and dissections. Identifiers: Orphanet 91387, MedGen C4707243, MONDO:0019625.

gnomAD v4.1: 1 of 1,614,142 alleles (0.000062%); highest among the groups gnomAD compares: Non-Finnish European, 0.000085%; no homozygotes.

Submission:

All of Us Research Program, National Institutes of Health
Classification: Uncertain significance for Familial thoracic aortic aneurysm and aortic dissection. Last evaluated: 2024-07-10. Review status: criteria provided, single submitter. Criteria: ACMG Guidelines, 2015. Collection method: clinical testing. Allele origin: germline. Inheritance: Autosomal dominant inheritance. Observed: 1 variant allele, 1 heterozygote.
Comment: This missense variant replaces valine with phenylalanine at codon 59 of the MYH11 protein. Computational prediction suggests that this variant may not impact protein structure and function (internally defined REVEL score threshold <= 0.5, PMID: 27666373). To our knowledge, functional studies have not been reported for this variant. This variant has not been reported in individuals affected with MYH11-related disorders in the literature. This variant has not been identified in the general population by the Genome Aggregation Database (gnomAD). The available evidence is insufficient to determine the role of this variant in disease conclusively. Therefore, this variant is classified as a Variant of Uncertain Significance.

This study involves interpretation of variants in research participants for the purpose of population health screening. Participant phenotype was not available at the time of variant classification. Additional details can be found in publication PMID: 35346344, PMCID: PMC8962531